The following is an entry in ClinVar:

NM_004006.3(DMD):c.76A>C (p.Asn26His)

Gene: DMD (dystrophin; minus strand). Cytogenetic location: Xp21.1.
Variant type: single nucleotide variant.
Coding change: c.76A>C on transcript NM_004006.3 (MANE Select); coding-DNA position 76, A replaced by C.
Protein change: p.Asn26His; replaces asparagine 26 with histidine.
Molecular consequence: missense variant. On other transcripts: 5 prime UTR variant (1).
Genome position (GRCh38, 1-based): chrX:33,020,156, T>G on the plus strand (A>C on the coding strand, the complement: DMD is on the minus strand). VCF-style: chrX-33020156-T-G. GRCh37 (hg19) VCF-style: chrX-33038273-T-G.
Other names: c.52A>C, p.Asn18His (NM_000109.4); c.64A>C, p.Asn22His (NM_004009.3); c.-294A>C (NM_004010.3); short protein forms N26H, N22H, N18H.
Identifiers: ClinVar variation 577234 (VCV000577234.2), dbSNP rs1057521321, ClinGen allele CA412675248.

ClinVar aggregate classification (germline): Uncertain significance (1 of 4 stars; one submission).

Conditions:
Duchenne muscular dystrophy (DMD). Also called: MUSCULAR DYSTROPHY, PSEUDOHYPERTROPHIC PROGRESSIVE, DUCHENNE TYPE; Duchenne Muscular Dystrophy (DMD). Identifiers: Orphanet 98896, MedGen C0013264, MONDO:0010679, OMIM 310200.

Submission:

Labcorp Genetics (formerly Invitae), Labcorp
Classification: Uncertain significance for Duchenne muscular dystrophy. Last evaluated: 2018-08-01. Review status: criteria provided, single submitter. Criteria: Invitae Variant Classification Sherloc (09022015). Collection method: clinical testing. Allele origin: germline.
Comment: This sequence change replaces asparagine with histidine at codon 26 of the DMD protein (p.Asn26His). The asparagine residue is highly conserved and there is a small physicochemical difference between asparagine and histidine. This variant is not present in population databases (ExAC no frequency). This variant has not been reported in the literature in individuals with DMD-related disease. Algorithms developed to predict the effect of missense changes on protein structure and function do not agree on the potential impact of this missense change (SIFT: "Deleterious"; PolyPhen-2: "Benign"; Align-GVGD: "Class C65"). In summary, the available evidence is currently insufficient to determine the role of this variant in disease. Therefore, it has been classified as a Variant of Uncertain Significance.